The following is an entry in ClinVar:

NM_000257.4(MYH7):c.3847G>C (p.Glu1283Gln)

Gene: MYH7 (myosin heavy chain 7; minus strand). Cytogenetic location: 14q11.2.
Variant type: single nucleotide variant.
Coding change: c.3847G>C on transcript NM_000257.4 (MANE Select); coding-DNA position 3847, G replaced by C.
Protein change: p.Glu1283Gln; replaces glutamic acid 1283 with glutamine.
Molecular consequence: missense variant.
Genome position (GRCh38, 1-based): chr14:23,419,489, C>G on the plus strand (G>C on the coding strand, the complement: MYH7 is on the minus strand). VCF-style: chr14-23419489-C-G. GRCh37 (hg19) VCF-style: chr14-23888698-C-G.
Other names: c.3847G>C, p.Glu1283Gln (NM_001407004.1); short protein forms E1283Q.
Identifiers: ClinVar variation 3071487 (VCV003071487.1), dbSNP rs1892375580, ClinGen allele CA389041882.
Genomic context (GRCh38, chr14:23,419,489, plus strand): 5'-CAGGAGGTTGGGGAGACTGTGGTGGGAACCATGGAGCCCCTGCTCTAGGCTCACCATTCT[C>G]GGTTTGCAACTTGGCCCGCTGGCTGGTGAGGTCGTTGACAGAACGCTGGGTCTCCTCCGC-3'
Protein context (NP_000248.2, residues 1273-1293): LTSQRAKLQT[Glu1283Gln]NGELSRQLDE

ClinVar aggregate classification (germline): Uncertain significance (1 of 4 stars; one submission).

Conditions:
Cardiomyopathy (CMYO). Also called: Cardiomyopathies. Identifiers: Orphanet 167848, MedGen C0878544, MONDO:0004994, HP:0001638. Inheritance: Various modes of inheritance.

Submission:

All of Us Research Program, National Institutes of Health
Classification: Uncertain significance for Cardiomyopathy. Last evaluated: 2023-06-08. Review status: criteria provided, single submitter. Criteria: ACMG Guidelines, 2015. Collection method: clinical testing. Allele origin: germline. Inheritance: Autosomal dominant inheritance. Observed: 1 variant allele, 1 heterozygote.
Comment: This missense variant replaces glutamic acid with glutamine at codon 1283 of the MYH7 protein. Computational prediction suggests that this variant may have deleterious impact on protein structure and function (internally defined REVEL score threshold >= 0.7, PMID: 27666373). To our knowledge, functional studies have not been reported for this variant. This variant has not been reported in individuals affected with MYH7-related disorders in the literature. This variant has not been identified in the general population by the Genome Aggregation Database (gnomAD). The available evidence is insufficient to determine the role of this variant in disease conclusively. Therefore, this variant is classified as a Variant of Uncertain Significance.

This study involves interpretation of variants in research participants for the purpose of population health screening. Participant phenotype was not available at the time of variant classification. Additional details can be found in publication PMID: 35346344, PMCID: PMC8962531